The following is an entry in ClinVar:

NM_000391.4(TPP1):c.1076-18A>G

Gene: TPP1 (tripeptidyl peptidase 1; minus strand). Cytogenetic location: 11p15.4.
Variant type: single nucleotide variant.
Coding change: c.1076-18A>G on transcript NM_000391.4 (MANE Select); 18 bases into the intron before coding-DNA position 1076, A replaced by G.
Molecular consequence: intron variant.
Genome position (GRCh38, 1-based): chr11:6,616,092, T>C on the plus strand (A>G on the coding strand, the complement: TPP1 is on the minus strand). VCF-style: chr11-6616092-T-C. GRCh37 (hg19) VCF-style: chr11-6637323-T-C.
Identifiers: ClinVar variation 495858 (VCV000495858.40), dbSNP rs78676565, ClinGen allele CA5858761.

ClinVar aggregate classification (germline): Benign/Likely benign. Review status: criteria provided, multiple submitters, no conflicts (2 of 4 stars). 7 submissions from 7 submitters: Benign (5); Likely benign (1). 1 of the submissions does not count toward it. Last evaluated 2026-09-01.

Allele frequency attached by ClinVar (database versions not stated): 1000 Genomes Project 0.00399; 1000 Genomes Project 30x 0.00406; TOPMed 0.00730; gnomAD exomes 0.00788 and 0.01230; gnomAD 0.00799 and 0.00826; ExAC 0.00827; ESP Exome Variant Server 0.00893.

Submissions (7):

CeGaT Center for Human Genetics Tuebingen
Classification: Benign. Last evaluated: 2026-09-01. Review status: criteria provided, single submitter. Criteria: CeGaT Center For Human Genetics Tuebingen Variant Classification Criteria Version 2. Collection method: clinical testing. Allele origin: germline. Affected: yes. Observed: 27 variant alleles.
Comment: TPP1: BS1, BS2

Labcorp Genetics (formerly Invitae), Labcorp
Classification: Benign. Last evaluated: 2026-02-04. Review status: criteria provided, single submitter. Criteria: Invitae Variant Classification Sherloc (09022015). Collection method: clinical testing. Allele origin: germline.

Blueprint Genetics
Classification: Likely benign. Last evaluated: 2024-11-27. Review status: criteria provided, single submitter. Criteria: ACMG Guidelines, 2015. Collection method: clinical testing. Allele origin: germline.

Women's Health and Genetics/Laboratory Corporation of America, LabCorp
Classification: Benign. Last evaluated: 2017-08-22. Review status: criteria provided, single submitter. Criteria: LabCorp Variant Classification Summary - May 2015. Collection method: clinical testing. Allele origin: germline.
Comment: Variant summary: The TPP1 c.1076-18A>G variant involves the alteration of a non-conserved intronic nucleotide and 5/5 splice prediction tools predict no significant impact on normal splicing. However, these predictions have yet to be confirmed by functional studies. This variant was found in 2197/277104 control chromosomes, predominantly observed in the European (Non-Finnish) subpopulation at a frequency of 0.013043 (1652/126656). This frequency is about 4 times the estimated maximal expected allele frequency of a pathogenic TPP1 variant (0.002958), suggesting this is likely a benign polymorphism found primarily in the populations of European (Non-Finnish) origin. The variant of interest has not, to our knowledge, been reported in affected individuals via publications and/or reputable databases/clinical diagnostic laboratories; nor evaluated for functional impact by in vivo/vitro studies. Taken together, this variant is classified as benign.

GeneDx
Classification: Benign. Last evaluated: 2015-03-03. Review status: criteria provided, single submitter. Criteria: GeneDx Variant Classification Process June 2021. Collection method: clinical testing. Allele origin: germline. Affected: yes.

Breakthrough Genomics
Classification: Benign. Review status: criteria provided, single submitter. Criteria: ACMG Guidelines, 2015. Collection method: not provided. Allele origin: germline. Inheritance: Autosomal recessive inheritance. Affected: yes.

Mayo Clinic Laboratories, Mayo Clinic
Classification: Likely benign. Last evaluated: 2017-05-17. Review status: no assertion criteria provided. Collection method: clinical testing. Allele origin: unknown. Not counted in ClinVar's aggregate classification.